The following is an entry in ClinVar:

ClinVar aggregate classification (germline): Uncertain significance (1 of 4 stars; one submission).

Submission:

Labcorp Genetics (formerly Invitae), Labcorp
Classification: Uncertain significance. Last evaluated: 2023-08-08. Review status: criteria provided, single submitter. Criteria: Invitae Variant Classification Sherloc (09022015). Collection method: clinical testing. Allele origin: germline.
Comment: This sequence change replaces serine, which is neutral and polar, with leucine, which is neutral and non-polar, at codon 294 of the NPAT protein (p.Ser294Leu). This variant is not present in population databases (gnomAD no frequency). This variant has not been reported in the literature in individuals affected with NPAT-related conditions. An algorithm developed to predict the effect of missense changes on protein structure and function (PolyPhen-2) suggests that this variant is likely to be disruptive. In summary, the available evidence is currently insufficient to determine the role of this variant in disease. Therefore, it has been classified as a Variant of Uncertain Significance.

NM_002519.3(NPAT):c.881C>T (p.Ser294Leu)

Gene: NPAT (nuclear protein, coactivator of histone transcription; minus strand). Cytogenetic location: 11q22.3.
Variant type: single nucleotide variant.
Coding change: c.881C>T on transcript NM_002519.3 (MANE Select); coding-DNA position 881, C replaced by T.
Protein change: p.Ser294Leu; replaces serine 294 with leucine.
Molecular consequence: missense variant.
Genome position (GRCh38, 1-based): chr11:108,185,257, G>A on the plus strand (C>T on the coding strand, the complement: NPAT is on the minus strand). VCF-style: chr11-108185257-G-A. GRCh37 (hg19) VCF-style: chr11-108055984-G-A.
Other names: c.881C>T, p.Ser294Leu (NM_001321307.1); short protein forms S294L.
Identifiers: ClinVar variation 2751220 (VCV002751220.3), dbSNP rs2496737568, ClinGen allele CA382519759.